The following is an entry in ClinVar:

ClinVar aggregate classification (germline): Benign/Likely benign. Review status: criteria provided, multiple submitters, no conflicts (2 of 4 stars). 5 submissions from 5 submitters: Benign (2); Likely benign (2). 1 of the submissions does not count toward it. Last evaluated 2026-01-27.

Conditions:
LBR-related disorder. Also called: LBR-related condition; LBR-related disorders.

Allele frequency attached by ClinVar (database versions not stated): ExAC 0.00089; gnomAD 0.00281 and 0.00293; ESP Exome Variant Server 0.00300; TOPMed 0.00323; 1000 Genomes Project 30x 0.00453; 1000 Genomes Project 0.00459.
gnomAD v4.1: 862 of 1,613,694 alleles (0.053%); highest among the groups gnomAD compares: African/African-American, 1%; 3 homozygotes.

Submissions (5):

Labcorp Genetics (formerly Invitae), Labcorp
Classification: Benign. Last evaluated: 2026-01-27. Review status: criteria provided, single submitter. Criteria: Invitae Variant Classification Sherloc (09022015). Collection method: clinical testing. Allele origin: germline.

ARUP Laboratories, Molecular Genetics and Genomics, ARUP Laboratories
Classification: Likely benign. Last evaluated: 2024-10-16. Review status: criteria provided, single submitter. Criteria: ARUP Molecular Germline Variant Investigation Process 2024. Collection method: clinical testing. Allele origin: germline.

GeneDx
Classification: Likely benign. Last evaluated: 2023-11-14. Review status: criteria provided, single submitter. Criteria: GeneDx Variant Classification Process June 2021. Collection method: clinical testing. Allele origin: germline. Affected: yes.
Comment: See Variant Classification Assertion Criteria.

Athena Diagnostics
Classification: Benign. Last evaluated: 2018-04-24. Review status: criteria provided, single submitter. Criteria: Athena Diagnostics Criteria. Collection method: clinical testing. Allele origin: germline.

PreventionGenetics, part of Exact Sciences
Classification: Benign for LBR-related condition. Last evaluated: 2019-03-21. Review status: no assertion criteria provided. Collection method: clinical testing. Allele origin: germline. Not counted in ClinVar's aggregate classification.
Comment: This variant is classified as benign based on ACMG/AMP sequence variant interpretation guidelines (Richards et al. 2015 PMID: 25741868, with internal and published modifications).

NM_002296.4(LBR):c.995C>T (p.Ala332Val)

Gene: LBR (lamin B receptor; minus strand). Cytogenetic location: 1q42.12.
Variant type: single nucleotide variant.
Coding change: c.995C>T on transcript NM_002296.4 (MANE Select); coding-DNA position 995, C replaced by T.
Protein change: p.Ala332Val; replaces alanine 332 with valine.
Molecular consequence: missense variant.
Genome position (GRCh38, 1-based): chr1:225,412,543, G>A on the plus strand (C>T on the coding strand, the complement: LBR is on the minus strand). VCF-style: chr1-225412543-G-A. GRCh37 (hg19) VCF-style: chr1-225600245-G-A.
Other names: c.995C>T, p.Ala332Val (NM_194442.3); short protein forms A332V.
Identifiers: ClinVar variation 586111 (VCV000586111.27), dbSNP rs141647564, ClinGen allele CA1417267.